The following is an entry in ClinVar:

NM_031935.3(HMCN1):c.9091G>A (p.Gly3031Ser)

Gene: HMCN1 (hemicentin 1; plus strand). Cytogenetic location: 1q31.1.
Variant type: single nucleotide variant.
Coding change: c.9091G>A on transcript NM_031935.3 (MANE Select); coding-DNA position 9091, G replaced by A.
Protein change: p.Gly3031Ser; replaces glycine 3031 with serine.
Molecular consequence: missense variant.
Genome position (GRCh38, 1-based): chr1:186,087,261, G>A. VCF-style: chr1-186087261-G-A. GRCh37 (hg19) VCF-style: chr1-186056393-G-A.
Other names: short protein forms G3031S.
Identifiers: ClinVar variation 3695662 (VCV003695662.2).

ClinVar aggregate classification (germline): Uncertain significance (1 of 4 stars; one submission).

gnomAD v4.1: 24 of 1,613,180 alleles (0.0015%); highest among the groups gnomAD compares: East Asian, 0.036%; no homozygotes.

Submission:

Labcorp Genetics (formerly Invitae), Labcorp
Classification: Uncertain significance. Last evaluated: 2024-11-11. Review status: criteria provided, single submitter. Criteria: Invitae Variant Classification Sherloc (09022015). Collection method: clinical testing. Allele origin: germline.
Comment: This sequence change replaces glycine, which is neutral and non-polar, with serine, which is neutral and polar, at codon 3031 of the HMCN1 protein (p.Gly3031Ser). This variant is present in population databases (rs200252994, gnomAD 0.07%), and has an allele count higher than expected for a pathogenic variant. This variant has not been reported in the literature in individuals affected with HMCN1-related conditions. An algorithm developed to predict the effect of missense changes on protein structure and function (PolyPhen-2) suggests that this variant is likely to be disruptive. In summary, the available evidence is currently insufficient to determine the role of this variant in disease. Therefore, it has been classified as a Variant of Uncertain Significance.